The following is an entry in ClinVar:

ClinVar aggregate classification (germline): Uncertain significance (1 of 4 stars; one submission).

Allele frequency attached by ClinVar (database versions not stated): TOPMed below 0.00001.
gnomAD v4.1: 7 of 1,339,818 alleles (0.00052%); highest among the groups gnomAD compares: Middle Eastern, 0.028%; no homozygotes.

Submission:

Labcorp Genetics (formerly Invitae), Labcorp
Classification: Uncertain significance. Last evaluated: 2022-06-13. Review status: criteria provided, single submitter. Criteria: Invitae Variant Classification Sherloc (09022015). Collection method: clinical testing. Allele origin: germline.
Comment: This variant is not present in population databases (gnomAD no frequency). In summary, the available evidence is currently insufficient to determine the role of this variant in disease. Therefore, it has been classified as a Variant of Uncertain Significance. Algorithms developed to predict the effect of missense changes on protein structure and function are either unavailable or do not agree on the potential impact of this missense change (SIFT: "Tolerated"; PolyPhen-2: "Not Available"; Align-GVGD: "Class C0"). This variant has not been reported in the literature in individuals affected with HMX1-related conditions. This sequence change replaces glutamic acid, which is acidic and polar, with lysine, which is basic and polar, at codon 55 of the HMX1 protein (p.Glu55Lys).

NM_018942.3(HMX1):c.163G>A (p.Glu55Lys)

Gene: HMX1 (H6 family homeobox 1; minus strand). Cytogenetic location: 4p16.1.
Variant type: single nucleotide variant.
Coding change: c.163G>A on transcript NM_018942.3 (MANE Select); coding-DNA position 163, G replaced by A.
Protein change: p.Glu55Lys; replaces glutamic acid 55 with lysine.
Molecular consequence: missense variant.
Genome position (GRCh38, 1-based): chr4:8,871,452, C>T on the plus strand (G>A on the coding strand, the complement: HMX1 is on the minus strand). VCF-style: chr4-8871452-C-T. GRCh37 (hg19) VCF-style: chr4-8873178-C-T.
Other names: c.163G>A, p.Glu55Lys (NM_001306142.2); short protein forms E55K.
Identifiers: ClinVar variation 1989881 (VCV001989881.4), dbSNP rs1475511152, ClinGen allele CA356279210.
Genomic context (GRCh38, chr4:8,871,452, plus strand): 5'-TGCCCGCGAGCAACTGTCGCCGCCGCTGTAGCCGTCGCCGCCGCGCCTGCTCGGCGTCCT[C>T]GTCTTCGGGGTCGTCGTCGTCCTCCTCCTCGTCCTCCCGGCTGCCGTCGCCCTGGGTCGC-3'
Protein context (NP_061815.2, residues 45-65): EEEDDDDPED[Glu55Lys]DAEQARRRRL